The following is an entry in ClinVar:

NM_003477.3(PDHX):c.*123A>G

Gene: PDHX (pyruvate dehydrogenase complex component X; plus strand). Cytogenetic location: 11p13.
Variant type: single nucleotide variant.
Coding change: c.*123A>G on transcript NM_003477.3 (MANE Select); 123 bases downstream of the stop codon, A replaced by G.
Molecular consequence: 3 prime UTR variant.
Genome position (GRCh38, 1-based): chr11:34,995,295, A>G. VCF-style: chr11-34995295-A-G. GRCh37 (hg19) VCF-style: chr11-35016842-A-G.
Other names: NC_000011.9:g.35016842A>G; c.*123A>G (NM_001135024.2, NM_001166158.2).
Identifiers: ClinVar variation 304476 (VCV000304476.7), dbSNP rs59918794, ClinGen allele CA10638981.

ClinVar aggregate classification (germline): Benign. Review status: criteria provided, multiple submitters, no conflicts (2 of 4 stars). 2 submissions from 2 submitters: Benign (2). Last evaluated 2018-06-28.

Conditions:
Pyruvate dehydrogenase E3-binding protein deficiency (PDHXD). Also called: E3-Binding Protein (Component X) Deficiency; Lacticacidemia due to PDX1 deficiency; PYRUVATE HYDROGENASE E3-BINDING PROTEIN DEFICIENCY; LACTIC ACIDEMIA DUE TO DEFECT IN LIPOYL-CONTAINING COMPONENT X OF THE PYRUVATE DEHYDROGENASE COMPLEX. Identifiers: Orphanet 255182, MedGen C1855553, MONDO:0009503, OMIM 245349.

Allele frequency attached by ClinVar (database versions not stated): gnomAD 0.01645 and 0.01748; TOPMed 0.01734; 1000 Genomes Project 0.02157; 1000 Genomes Project 30x 0.02436.
gnomAD v4.1: 4,269 of 1,117,330 alleles (0.38%); highest among the groups gnomAD compares: African/African-American, 5.8%; 119 homozygotes.

Submissions (7):

GeneDx
Classification: Benign. Last evaluated: 2018-06-28. Review status: criteria provided, single submitter. Criteria: GeneDx Variant Classification Process June 2021. Collection method: clinical testing. Allele origin: germline. Affected: yes.

Illumina Laboratory Services, Illumina
Classification: Benign for Pyruvate dehydrogenase E3-binding protein deficiency. Last evaluated: 2018-01-13. Review status: criteria provided, single submitter. Criteria: ICSL Variant Classification Criteria 13 December 2019. Collection method: clinical testing. Allele origin: germline.
Comment: This variant was observed in the ICSL laboratory as part of a predisposition screen in an ostensibly healthy population. It had not been previously curated by ICSL or reported in the Human Gene Mutation Database (HGMD: prior to June 1st, 2018), and was therefore a candidate for classification through an automated scoring system. Utilizing variant allele frequency, disease prevalence and penetrance estimates, and inheritance mode, an automated score was calculated to assess if this variant is too frequent to cause the disease. Based on the score and internal cut-off values, a variant classified as benign is not then subjected to further curation. The score for this variant resulted in a classification of benign for this disease.

Dr. Peter K. Rogan Lab, Western University
No classification provided (evidence only). Condition: Uterine corpus endometrial carcinoma. Review status: no classification provided. Collection method: in vitro. Allele origin: not applicable. Functional consequence: retained intron. Not counted in ClinVar's aggregate classification.

Dr. Peter K. Rogan Lab, Western University
No classification provided (evidence only). Condition: Uterine corpus endometrial carcinoma. Review status: no classification provided. Collection method: in vitro. Allele origin: not applicable. Functional consequence: retained intron. Not counted in ClinVar's aggregate classification.

Dr. Peter K. Rogan Lab, Western University
No classification provided (evidence only). Condition: Nonpapillary renal cell carcinoma. Review status: no classification provided. Collection method: in vitro. Allele origin: not applicable. Functional consequence: retained intron. Not counted in ClinVar's aggregate classification.

Dr. Peter K. Rogan Lab, Western University
No classification provided (evidence only). Condition: Nonpapillary renal cell carcinoma. Review status: no classification provided. Collection method: in vitro. Allele origin: not applicable. Functional consequence: retained intron. Not counted in ClinVar's aggregate classification.

Dr. Peter K. Rogan Lab, Western University
No classification provided (evidence only). Condition: Cholangiocarcinoma. Review status: no classification provided. Collection method: in vitro. Allele origin: not applicable. Functional consequence: retained intron. Not counted in ClinVar's aggregate classification.